The following is an entry in ClinVar:

NM_004360.5(CDH1):c.1783C>G (p.Pro595Ala)

Gene: CDH1 (cadherin 1; plus strand). Cytogenetic location: 16q22.1.
Variant type: single nucleotide variant.
Coding change: c.1783C>G on transcript NM_004360.5 (MANE Select); coding-DNA position 1783, C replaced by G.
Protein change: p.Pro595Ala; replaces proline 595 with alanine.
Molecular consequence: missense variant. On other transcripts: 5 prime UTR variant (1).
Genome position (GRCh38, 1-based): chr16:68,822,072, C>G. VCF-style: chr16-68822072-C-G. GRCh37 (hg19) VCF-style: chr16-68855975-C-G.
Other names: c.1600C>G, p.Pro534Ala (NM_001317184.2); c.235C>G, p.Pro79Ala (NM_001317185.2); c.-183C>G (NM_001317186.2); short protein forms P79A, P534A, P595A.
Identifiers: ClinVar variation 5033967 (VCV005033967.1).
Genomic context (GRCh38, chr16:68,822,072, plus strand): 5'-GCTACTGGAACAGGGACACTTCTGCTGATCCTGTCTGATGTGAATGACAACGCCCCCATA[C>G]CAGAACCTCGAACTATATTCTTCTGTGAGAGGAATCCAAAGCCTCAGGTCATAAACATCA-3'
Protein context (NP_004351.1, residues 585-605): LSDVNDNAPI[Pro595Ala]EPRTIFFCER

ClinVar aggregate classification (germline): Uncertain significance (1 of 4 stars; one submission).

Conditions:
Hereditary cancer-predisposing syndrome. Also called: Neoplastic Syndromes, Hereditary; Tumor predisposition; Hereditary neoplastic syndrome; Hereditary Cancer Syndrome. Identifiers: Orphanet 140162, MedGen C0027672, MeSH D009386, MONDO:0015356.

Submission:

Ambry Genetics
Classification: Uncertain significance for Hereditary cancer-predisposing syndrome. Last evaluated: 2026-07-07. Review status: criteria provided, single submitter. Criteria: Ambry Variant Classification Scheme 2023. Collection method: clinical testing. Allele origin: germline.
Comment: The p.P595A variant (also known as c.1783C>G), located in coding exon 12 of the CDH1 gene, results from a C to G substitution at nucleotide position 1783. The proline at codon 595 is replaced by alanine, an amino acid with highly similar properties. This amino acid position is conserved. In addition, this alteration is predicted to be tolerated by in silico analysis. Based on the available evidence, the clinical significance of this variant remains unclear.